The following is an entry in ClinVar:

ClinVar aggregate classification (germline): Pathogenic (1 of 4 stars; one submission).

Allele frequency attached by ClinVar (database versions not stated): gnomAD exomes below 0.00001; ExAC 0.00001; gnomAD 0.00001.

Submission:

Labcorp Genetics (formerly Invitae), Labcorp
Classification: Pathogenic. Last evaluated: 2022-12-02. Review status: criteria provided, single submitter. Criteria: Invitae Variant Classification Sherloc (09022015). Collection method: clinical testing. Allele origin: germline.
Comment: For these reasons, this variant has been classified as Pathogenic. This variant has not been reported in the literature in individuals affected with PEPD-related conditions. This variant is present in population databases (rs769006603, gnomAD 0.0009%). This sequence change creates a premature translational stop signal (p.Gln55*) in the PEPD gene. It is expected to result in an absent or disrupted protein product. Loss-of-function variants in PEPD are known to be pathogenic (PMID: 8198124, 10721675, 12384772, 17142620).

Literature cited by the submitters: PubMed 8198124; PubMed 10721675; PubMed 12384772; PubMed 17142620.

NM_000285.4(PEPD):c.163C>T (p.Gln55Ter)

Gene: PEPD (peptidase D; minus strand). Cytogenetic location: 19q13.11.
Variant type: single nucleotide variant.
Coding change: c.163C>T on transcript NM_000285.4 (MANE Select); coding-DNA position 163, C replaced by T.
Protein change: p.Gln55Ter; replaces glutamine 55 with a stop codon.
Molecular consequence: nonsense.
Genome position (GRCh38, 1-based): chr19:33,512,631, G>A on the plus strand (C>T on the coding strand, the complement: PEPD is on the minus strand). VCF-style: chr19-33512631-G-A. GRCh37 (hg19) VCF-style: chr19-34003537-G-A.
Other names: c.163C>T, p.Gln55Ter (NM_001166056.2, NM_001166057.2); short protein forms Q55*.
Identifiers: ClinVar variation 2817935 (VCV002817935.3), dbSNP rs769006603, ClinGen allele CA9364479.
Genomic context (GRCh38, chr19:33,512,631, plus strand): 5'-GTGGCCAAGCGGGGAGGCTCACCTGGCGGAAGAGGACCCCGGTGTCGGTGCAGTAGCGCT[G>A]AGTCTCCTCCCCGCCCTGCAGGACCACGATGGAGCCGGCCTGCACAGCAGGGTTCTTCCG-3'